The following is an entry in ClinVar:

ClinVar aggregate classification (germline): Uncertain significance. Review status: criteria provided, multiple submitters, no conflicts (2 of 4 stars). 2 submissions from 2 submitters: Uncertain significance (2). Last evaluated 2025-02-09.

Conditions:
Inborn genetic diseases. Identifiers: MedGen C0950123, MeSH D030342.
Generalized epilepsy-paroxysmal dyskinesia syndrome (PNKD3). Also called: Paroxysmal nonkinesigenic dyskinesia, 3, with or without generalized epilepsy; Generalized epilepsy and paroxysmal dyskinesia. Identifiers: Orphanet 79137, MedGen C5574945, MONDO:0012276, OMIM 609446.

gnomAD v4.1: 1 of 1,613,676 alleles (0.000062%); highest among the groups gnomAD compares: South Asian, 0.0011%; no homozygotes.

Submissions (2):

Ambry Genetics
Classification: Uncertain significance for Inborn genetic diseases. Last evaluated: 2025-02-09. Review status: criteria provided, single submitter. Criteria: Ambry Variant Classification Scheme 2023. Collection method: clinical testing. Allele origin: germline.

Neuberg Centre For Genomic Medicine, NCGM
Classification: Uncertain significance for Generalized epilepsy-paroxysmal dyskinesia syndrome. Last evaluated: 2023-03-01. Review status: criteria provided, single submitter. Criteria: ACMG Guidelines, 2015. Collection method: clinical testing. Allele origin: germline. Inheritance: Autosomal dominant inheritance. Affected: yes.
Comment: The missense variant c.2974T>G (p.Ser992Ala) in the KCNMA1 gene has not been reported previously as a pathogenic variant nor as a benign variant, to our knowledge. This variant is reported with the allele frequency (0.0003%) in the gnomAD Exomes and novel in 1000 Genomes. The amino acid Serine at position 992 is changed to an Alanine changing protein sequence and it might alter its composition and physico-chemical properties. The amino acid change p.Ser992Ala in KCNMA1 is predicted as conserved by GERP++ and PhyloP across 100 vertebrates. For these reasons, this variant has been classified as Uncertain Significance.

NM_001161352.2(KCNMA1):c.2974T>G (p.Ser992Ala)

Genes: KCNMA1-AS1 (KCNMA1 antisense RNA 1; plus strand), KCNMA1 (potassium calcium-activated channel subfamily M alpha 1; minus strand). Cytogenetic location: 10q22.3.
Variant type: single nucleotide variant.
Coding change: c.2974T>G on transcript NM_001161352.2 (MANE Select); coding-DNA position 2974, T replaced by G.
Protein change: p.Ser992Ala; replaces serine 992 with alanine.
Molecular consequence: missense variant.
Genome position (GRCh38, 1-based): chr10:76,914,978, A>C on the plus strand (T>G on the coding strand, the complement: KCNMA1 is on the minus strand). VCF-style: chr10-76914978-A-C. GRCh37 (hg19) VCF-style: chr10-78674736-A-C.
Other names: c.2812T>G, p.Ser938Ala (NM_001322837.2, NM_001014797.3, NM_001322835.2); c.2347T>G, p.Ser783Ala (NM_001322838.2); c.2800T>G, p.Ser934Ala (NM_001410940.1, NM_002247.4, NM_001322832.2); c.2923T>G, p.Ser975Ala (NM_001161353.2); c.2650T>G, p.Ser884Ala (NM_001271518.2); c.2809T>G, p.Ser937Ala (NM_001271519.2, NM_001322829.2, NM_001322836.2); c.2821T>G, p.Ser941Ala (NM_001322830.2); c.2800T>G (NM_002247.3); short protein forms S783A, S884A, S934A, S937A, S938A, S941A, S975A, S992A.
Identifiers: ClinVar variation 2671657 (VCV002671657.2), dbSNP rs1388380564, ClinGen allele CA377404305.